The following is an entry in ClinVar:

ClinVar aggregate classification (germline): Likely benign (0 of 4 stars; one submission).

Conditions:
TMEM260-related disorder. Also called: TMEM260-related condition.

Allele frequency attached by ClinVar (database versions not stated): ESP Exome Variant Server 0.00008; 1000 Genomes Project 30x 0.00031; TOPMed 0.00032; 1000 Genomes Project 0.00040; gnomAD exomes 0.00043; gnomAD 0.00051; ExAC 0.00057.
gnomAD v4.1: 697 of 1,612,784 alleles (0.043%); highest among the groups gnomAD compares: East Asian, 0.14%; no homozygotes.

Submission:

PreventionGenetics, part of Exact Sciences
Classification: Likely benign for TMEM260-related condition. Last evaluated: 2019-10-30. Review status: no assertion criteria provided. Collection method: clinical testing. Allele origin: germline.
Comment: This variant is classified as likely benign based on ACMG/AMP sequence variant interpretation guidelines (Richards et al. 2015 PMID: 25741868, with internal and published modifications).

NM_017799.4(TMEM260):c.1869C>T (p.Asp623=)

Gene: TMEM260 (transmembrane protein 260; plus strand). Cytogenetic location: 14q22.3.
Variant type: single nucleotide variant.
Coding change: c.1869C>T on transcript NM_017799.4 (MANE Select); coding-DNA position 1869, C replaced by T.
Protein change: p.Asp623=; no amino-acid change (aspartic acid 623 retained).
Molecular consequence: synonymous variant.
Genome position (GRCh38, 1-based): chr14:56,636,598, C>T. VCF-style: chr14-56636598-C-T. GRCh37 (hg19) VCF-style: chr14-57103316-C-T.
Identifiers: ClinVar variation 3045793 (VCV003045793.2), dbSNP rs151228858, ClinGen allele CA7200272.